The following is an entry in ClinVar:

NM_002227.4(JAK1):c.2203A>G (p.Ile735Val)

Gene: JAK1 (Janus kinase 1; minus strand). Cytogenetic location: 1p31.3.
Variant type: single nucleotide variant.
Coding change: c.2203A>G on transcript NM_002227.4 (MANE Select); coding-DNA position 2203, A replaced by G.
Protein change: p.Ile735Val; replaces isoleucine 735 with valine.
Molecular consequence: missense variant.
Genome position (GRCh38, 1-based): chr1:64,844,802, T>C on the plus strand (A>G on the coding strand, the complement: JAK1 is on the minus strand). VCF-style: chr1-64844802-T-C. GRCh37 (hg19) VCF-style: chr1-65310485-T-C.
Other names: c.2203A>G, p.Ile735Val (NM_001320923.2, NM_001321852.2, NM_001321853.2 and 3 more transcripts); c.2200A>G, p.Ile734Val (NM_001321857.2); short protein forms I734V, I735V.
Identifiers: ClinVar variation 2327293 (VCV002327293.5), dbSNP rs1304371483, ClinGen allele CA340666967.
Genomic context (GRCh38, chr1:64,844,802, plus strand): 5'-GGGGAGACACACCTTGCCTAGACAGCACCGTAATGGGGATGCCGGGGTCACTGAGCTTGA[T>C]GAATGGGCCACACTCACTGTCGATGCCCTCACGGGCCAGGAGGAGGTTTTTAGTACACAC-3'
Protein context (NP_002218.2, residues 725-745): EGIDSECGPF[Ile735Val]KLSDPGIPIT

ClinVar aggregate classification (germline): Uncertain significance. Review status: criteria provided, multiple submitters, no conflicts (2 of 4 stars). 2 submissions from 2 submitters: Uncertain significance (2). Last evaluated 2024-12-21.

Conditions:
Inborn genetic diseases. Identifiers: MedGen C0950123, MeSH D030342.

Allele frequency attached by ClinVar (database versions not stated): gnomAD exomes below 0.00001.
gnomAD v4.1: 5 of 1,614,182 alleles (0.00031%); highest among the groups gnomAD compares: Admixed American, 0.0017%; no homozygotes.

Submissions (2):

Labcorp Genetics (formerly Invitae), Labcorp
Classification: Uncertain significance. Last evaluated: 2024-12-21. Review status: criteria provided, single submitter. Criteria: Invitae Variant Classification Sherloc (09022015). Collection method: clinical testing. Allele origin: germline.
Comment: This sequence change replaces isoleucine, which is neutral and non-polar, with valine, which is neutral and non-polar, at codon 735 of the JAK1 protein (p.Ile735Val). This variant is present in population databases (no rsID available, gnomAD 0.003%). This variant has not been reported in the literature in individuals affected with JAK1-related conditions. ClinVar contains an entry for this variant (Variation ID: 2327293). Invitae Evidence Modeling of protein sequence and biophysical properties (such as structural, functional, and spatial information, amino acid conservation, physicochemical variation, residue mobility, and thermodynamic stability) indicates that this missense variant is not expected to disrupt JAK1 protein function with a negative predictive value of 80%. In summary, the available evidence is currently insufficient to determine the role of this variant in disease. Therefore, it has been classified as a Variant of Uncertain Significance.

Ambry Genetics
Classification: Uncertain significance for Inborn genetic diseases. Last evaluated: 2022-11-18. Review status: criteria provided, single submitter. Criteria: Ambry Variant Classification Scheme 2023. Collection method: clinical testing. Allele origin: germline.